The following is an entry in ClinVar:

NM_005560.6(LAMA5):c.11025C>T (p.Val3675=)

Gene: LAMA5 (laminin subunit alpha 5; minus strand). Cytogenetic location: 20q13.33.
Variant type: single nucleotide variant.
Coding change: c.11025C>T on transcript NM_005560.6 (MANE Select); coding-DNA position 11025, C replaced by T.
Protein change: p.Val3675=; no amino-acid change (valine 3675 retained).
Molecular consequence: synonymous variant.
Genome position (GRCh38, 1-based): chr20:62,309,399, G>A on the plus strand (C>T on the coding strand, the complement: LAMA5 is on the minus strand). VCF-style: chr20-62309399-G-A. GRCh37 (hg19) VCF-style: chr20-60884455-G-A.
Identifiers: ClinVar variation 3060229 (VCV003060229.3), dbSNP rs906537507, ClinGen allele CA317226472.

ClinVar aggregate classification (germline): Likely benign. Review status: criteria provided, single submitter (1 of 4 stars). 2 submissions from 2 submitters: Likely benign (1). 1 of the submissions does not count toward it. Last evaluated 2023-12-07.

Conditions:
LAMA5-related disorder. Also called: LAMA5-Related Disorders; LAMA5-related condition.

Allele frequency attached by ClinVar (database versions not stated): gnomAD exomes 0.00003; gnomAD 0.00007; TOPMed 0.00009.
gnomAD v4.1: 48 of 1,588,322 alleles (0.003%); highest among the groups gnomAD compares: African/African-American, 0.036%; no homozygotes.

Submissions (2):

Blueprint Genetics
Classification: Likely benign. Last evaluated: 2023-12-07. Review status: criteria provided, single submitter. Criteria: ACMG Guidelines, 2015. Collection method: clinical testing. Allele origin: germline.

PreventionGenetics, part of Exact Sciences
Classification: Likely benign for LAMA5-related condition. Last evaluated: 2021-05-13. Review status: no assertion criteria provided. Collection method: clinical testing. Allele origin: germline. Not counted in ClinVar's aggregate classification.
Comment: This variant is classified as likely benign based on ACMG/AMP sequence variant interpretation guidelines (Richards et al. 2015 PMID: 25741868, with internal and published modifications).